The following is an entry in ClinVar:

NM_004415.4(DSP):c.128C>T (p.Ser43Phe)

Genes: DSP (desmoplakin; plus strand), DSP-AS1 (DSP antisense RNA 1; minus strand). Cytogenetic location: 6p24.3.
Variant type: single nucleotide variant.
Coding change: c.128C>T on transcript NM_004415.4 (MANE Select); coding-DNA position 128, C replaced by T.
Protein change: p.Ser43Phe; replaces serine 43 with phenylalanine.
Molecular consequence: missense variant.
Genome position (GRCh38, 1-based): chr6:7,542,043, C>T. VCF-style: chr6-7542043-C-T. GRCh37 (hg19) VCF-style: chr6-7542276-C-T.
Other names: c.128C>T, p.Ser43Phe (NM_001008844.3, NM_001319034.2); short protein forms S43F.
Identifiers: ClinVar variation 920095 (VCV000920095.7), dbSNP rs1757997664, ClinGen allele CA362675899.

ClinVar aggregate classification (germline): Uncertain significance. Review status: criteria provided, multiple submitters, no conflicts (2 of 4 stars). 3 submissions from 3 submitters: Uncertain significance (3). Last evaluated 2025-03-06.

Conditions:
Cardiovascular phenotype. Identifiers: MedGen CN230736.
Cardiomyopathy (CMYO). Also called: Cardiomyopathies. Identifiers: Orphanet 167848, MedGen C0878544, MONDO:0004994, HP:0001638. Inheritance: Various modes of inheritance.
Arrhythmogenic cardiomyopathy with wooly hair and keratoderma. Also called: PALMOPLANTAR KERATODERMA WITH LEFT VENTRICULAR CARDIOMYOPATHY AND WOOLLY HAIR; Carvajal syndrome; Dilated cardiomyopathy with woolly hair and keratoderma; Arrhythmogenic cardiomyopathy with woolly hair and keratoderma. Identifiers: Orphanet 65282, MedGen C1854063, MONDO:0011581, OMIM 605676.

Submissions (3):

Ambry Genetics
Classification: Uncertain significance for Cardiovascular phenotype. Last evaluated: 2025-03-06. Review status: criteria provided, single submitter. Criteria: Ambry Variant Classification Scheme 2023. Collection method: clinical testing. Allele origin: germline.

All of Us Research Program, National Institutes of Health
Classification: Uncertain significance for Arrhythmogenic cardiomyopathy with wooly hair and keratoderma. Last evaluated: 2024-04-16. Review status: criteria provided, single submitter. Criteria: ACMG Guidelines, 2015. Collection method: clinical testing. Allele origin: germline. Inheritance: Autosomal dominant inheritance. Observed: 1 variant allele, 1 heterozygote.
Comment: Variant of Uncertain Significance due to insufficient evidence: This missense variant replaces serine with phenylalanine at codon 43 of the DSP protein. Computational prediction tools and conservation analyses are inconclusive regarding the impact of this variant on the protein function. Computational splicing tools suggest that this variant may not impact RNA splicing. To our knowledge, functional assays have not been performed for this variant nor has this variant been reported in individuals affected with cardiovascular disorders in the literature. This variant is rare in the general population and has been identified in 0/277264 chromosomes by the Genome Aggregation Database (gnomAD). Available evidence is insufficient to determine the pathogenicity of this variant conclusively.

This study involves interpretation of variants in research participants for the purpose of population health screening. Participant phenotype was not available at the time of variant classification. Additional details can be found in publication PMID: 35346344, PMCID: PMC8962531

Color Diagnostics, LLC DBA Color Health
Classification: Uncertain significance for Cardiomyopathy. Last evaluated: 2023-12-04. Review status: criteria provided, single submitter. Criteria: ACMG Guidelines, 2015. Collection method: clinical testing. Allele origin: germline.
Comment: Variant of Uncertain Significance due to insufficient evidence: This missense variant replaces serine with phenylalanine at codon 43 of the DSP protein. Computational prediction tools and conservation analyses are inconclusive regarding the impact of this variant on the protein function. Computational splicing tools suggest that this variant may not impact RNA splicing. To our knowledge, functional assays have not been performed for this variant nor has this variant been reported in individuals affected with cardiovascular disorders in the literature. This variant is rare in the general population and has been identified in 0/277264 chromosomes by the Genome Aggregation Database (gnomAD). Available evidence is insufficient to determine the pathogenicity of this variant conclusively.